The following is an entry in ClinVar:

NM_000143.4(FH):c.1383T>C (p.Pro461=)

Gene: FH (fumarate hydratase; minus strand). Cytogenetic location: 1q43.
Variant type: single nucleotide variant.
Coding change: c.1383T>C on transcript NM_000143.4 (MANE Select); coding-DNA position 1383, T replaced by C.
Protein change: p.Pro461=; no amino-acid change (proline 461 retained).
Molecular consequence: synonymous variant.
Genome position (GRCh38, 1-based): chr1:241,500,444, A>G on the plus strand (T>C on the coding strand, the complement: FH is on the minus strand). VCF-style: chr1-241500444-A-G. GRCh37 (hg19) VCF-style: chr1-241663744-A-G.
Identifiers: ClinVar variation 3691067 (VCV003691067.3).

ClinVar aggregate classification (germline): Benign/Likely benign. Review status: criteria provided, multiple submitters, no conflicts (2 of 4 stars). 2 submissions from 2 submitters: Benign (1); Likely benign (1). Last evaluated 2024-12-22.

Conditions:
Hereditary leiomyomatosis and renal cell cancer. Also called: MULTIPLE CUTANEOUS AND UTERINE LEIOMYOMATA 1, WITH OR WITHOUT RENAL CELL CARCINOMA; LEIOMYOMA, MULTIPLE CUTANEOUS; Reed syndrome; Multiple cutaneous and uterine leiomyomatosis; Cutaneous leiomyomata with uterine leiomyomata; Leiomyoma, hereditary multiple, of skin. Identifiers: Orphanet 523, MedGen C1708350, MONDO:0007888, OMIM 150800, HP:0007437. Disease mechanism: loss of function.

Submissions (2):

Labcorp Genetics (formerly Invitae), Labcorp
Classification: Likely benign. Last evaluated: 2024-12-22. Review status: criteria provided, single submitter. Criteria: Invitae Variant Classification Sherloc (09022015). Collection method: clinical testing. Allele origin: germline.

Myriad Genetics, Inc.
Classification: Benign for Hereditary leiomyomatosis and renal cell cancer. Last evaluated: 2024-10-21. Review status: criteria provided, single submitter. Criteria: Myriad Autosomal Dominant, Autosomal Recessive and X-Linked Classification Criteria (2023). Collection method: clinical testing. Allele origin: unknown.
Comment: This variant is considered benign. This variant is a silent/synonymous amino acid change and it is not expected to impact splicing.